The following is an entry in ClinVar:

NM_002739.5(PRKCG):c.382G>C (p.Gly128Arg)

Gene: PRKCG (protein kinase C gamma; plus strand). Cytogenetic location: 19q13.42.
Variant type: single nucleotide variant.
Coding change: c.382G>C on transcript NM_002739.5 (MANE Select); coding-DNA position 382, G replaced by C.
Protein change: p.Gly128Arg; replaces glycine 128 with arginine.
Molecular consequence: missense variant.
Genome position (GRCh38, 1-based): chr19:53,889,734, G>C. VCF-style: chr19-53889734-G-C. GRCh37 (hg19) VCF-style: chr19-54392988-G-C.
Other names: c.382G>C (LRG_669t1, NM_002739.4); c.382G>C, p.Gly128Arg (NM_001316329.2); short protein forms G128R.
Identifiers: ClinVar variation 586451 (VCV000586451.3), dbSNP rs1568752939, ClinGen allele CA407414288.

ClinVar aggregate classification (germline): Uncertain significance. Review status: criteria provided, multiple submitters, no conflicts (2 of 4 stars). 3 submissions from 3 submitters: Uncertain significance (3). Last evaluated 2023-07-11.

Submissions (3):

Women's Health and Genetics/Laboratory Corporation of America, LabCorp
Classification: Uncertain significance. Last evaluated: 2023-07-11. Review status: criteria provided, single submitter. Criteria: LabCorp Variant Classification Summary - May 2015. Collection method: clinical testing. Allele origin: germline.
Comment: Variant summary: PRKCG c.382G>C (p.Gly128Arg) results in a non-conservative amino acid change located in the Protein kinase C-like, phorbol ester/diacylglycerol-binding domain (IPR002219) of the encoded protein sequence. Five of five in-silico tools predict a damaging effect of the variant on protein function. The variant was absent in 250780 control chromosomes in gnomAD. The available data on variant occurrences in the general population are insufficient to allow any conclusion about variant significance. To our knowledge, no occurrence of c.382G>C in individuals affected with Spinocerebellar Ataxia 14 and no experimental evidence demonstrating its impact on protein function have been reported. One submitter has cited clinical-significance assessments for this variant to ClinVar after 2014 and has classified the variant as uncertain significance. Based on the evidence outlined above, the variant was classified as uncertain significance.

GeneDx
Classification: Uncertain significance. Last evaluated: 2023-02-22. Review status: criteria provided, single submitter. Criteria: GeneDx Variant Classification Process June 2021. Collection method: clinical testing. Allele origin: germline. Affected: yes.
Comment: Not observed at significant frequency in large population cohorts (gnomAD); In silico analysis supports that this missense variant has a deleterious effect on protein structure/function; Has not been previously published as pathogenic or benign to our knowledge

Athena Diagnostics
Classification: Uncertain significance. Last evaluated: 2017-11-22. Review status: criteria provided, single submitter. Criteria: Athena Diagnostics Criteria. Collection method: clinical testing. Allele origin: germline.